The following is an entry in ClinVar:

NM_031935.3(HMCN1):c.12744T>G (p.Asp4248Glu)

Gene: HMCN1 (hemicentin 1; plus strand). Cytogenetic location: 1q31.1.
Variant type: single nucleotide variant.
Coding change: c.12744T>G on transcript NM_031935.3 (MANE Select); coding-DNA position 12744, T replaced by G.
Protein change: p.Asp4248Glu; replaces aspartic acid 4248 with glutamic acid.
Molecular consequence: missense variant.
Genome position (GRCh38, 1-based): chr1:186,128,131, T>G. VCF-style: chr1-186128131-T-G. GRCh37 (hg19) VCF-style: chr1-186097263-T-G.
Other names: short protein forms D4248E.
Identifiers: ClinVar variation 3627464 (VCV003627464.2).

ClinVar aggregate classification (germline): Uncertain significance (1 of 4 stars; one submission).

Submission:

Labcorp Genetics (formerly Invitae), Labcorp
Classification: Uncertain significance. Last evaluated: 2024-05-10. Review status: criteria provided, single submitter. Criteria: Invitae Variant Classification Sherloc (09022015). Collection method: clinical testing. Allele origin: germline.
Comment: This sequence change replaces aspartic acid, which is acidic and polar, with glutamic acid, which is acidic and polar, at codon 4248 of the HMCN1 protein (p.Asp4248Glu). This variant is not present in population databases (gnomAD no frequency). This variant has not been reported in the literature in individuals affected with HMCN1-related conditions. An algorithm developed to predict the effect of missense changes on protein structure and function (PolyPhen-2) suggests that this variant is likely to be disruptive. In summary, the available evidence is currently insufficient to determine the role of this variant in disease. Therefore, it has been classified as a Variant of Uncertain Significance.